The following is an entry in ClinVar:

NM_000302.4(PLOD1):c.1390G>A (p.Gly464Ser)

Gene: PLOD1 (procollagen-lysine,2-oxoglutarate 5-dioxygenase 1; plus strand). Cytogenetic location: 1p36.22.
Variant type: single nucleotide variant.
Coding change: c.1390G>A on transcript NM_000302.4 (MANE Select); coding-DNA position 1390, G replaced by A.
Protein change: p.Gly464Ser; replaces glycine 464 with serine.
Molecular consequence: missense variant.
Genome position (GRCh38, 1-based): chr1:11,964,705, G>A. VCF-style: chr1-11964705-G-A. GRCh37 (hg19) VCF-style: chr1-12024762-G-A.
Other names: c.1531G>A, p.Gly511Ser (NM_001316320.2); short protein forms G511S, G464S.
Identifiers: ClinVar variation 4139850 (VCV004139850.1).
Genomic context (GRCh38, chr1:11,964,705, plus strand): 5'-GGTGTCTGGAATGTGCCCTATATTTCAAACATCTACTTGATCAAGGGCAGTGCCCTGCGG[G>A]GTGAGCTGCAGTCCTCAGATCTCTTCCACCACAGCAAGCTGGACCCCGACATGGCCTTCT-3'
Protein context (NP_000293.2, residues 454-474): IYLIKGSALR[Gly464Ser]ELQSSDLFHH

ClinVar aggregate classification (germline): Uncertain significance (1 of 4 stars; one submission).

Conditions:
Familial thoracic aortic aneurysm and aortic dissection (TAAD). Also called: Thoracic aortic aneurysms and dissections. Identifiers: Orphanet 91387, MedGen C4707243, MONDO:0019625.

Submission:

Ambry Genetics
Classification: Uncertain significance for Familial thoracic aortic aneurysm and aortic dissection. Last evaluated: 2025-07-21. Review status: criteria provided, single submitter. Criteria: Ambry Variant Classification Scheme 2023. Collection method: clinical testing. Allele origin: germline.
Comment: The p.G464S variant (also known as c.1390G>A), located in coding exon 13 of the PLOD1 gene, results from a G to A substitution at nucleotide position 1390. The glycine at codon 464 is replaced by serine, an amino acid with similar properties. This amino acid position is conserved. In addition, this alteration is predicted to be tolerated by in silico analysis. Based on the available evidence, the clinical significance of this variant remains unclear.